The following is an entry in ClinVar:

ClinVar aggregate classification (germline): Benign/Likely benign. Review status: criteria provided, multiple submitters, no conflicts (2 of 4 stars). 7 submissions from 7 submitters: Benign (1); Likely benign (6). Last evaluated 2026-01-11.

Conditions:
Neuropathy, hereditary sensory and autonomic, type 1C. Also called: HSAN IC; HSN IC. Identifiers: Orphanet 36386, MedGen C3150896, MONDO:0013337, OMIM 613640.
SPTLC2-related disorder. Also called: SPTLC2-related condition.
Inborn genetic diseases. Identifiers: MedGen C0950123, MeSH D030342.

Allele frequency attached by ClinVar (database versions not stated): TOPMed 0.00011; gnomAD 0.00012 and 0.00013; 1000 Genomes Project 30x 0.00016; 1000 Genomes Project 0.00020.
gnomAD v4.1: 283 of 1,614,142 alleles (0.018%); highest among the groups gnomAD compares: Middle Eastern, 0.099%; 1 homozygote.

Submissions (7):

Labcorp Genetics (formerly Invitae), Labcorp
Classification: Likely benign for Neuropathy, hereditary sensory and autonomic, type 1C. Last evaluated: 2026-01-11. Review status: criteria provided, single submitter. Criteria: Invitae Variant Classification Sherloc (09022015). Collection method: clinical testing. Allele origin: germline.

PreventionGenetics, part of Exact Sciences
Classification: Likely benign for SPTLC2-related condition. Last evaluated: 2025-11-10. Review status: criteria provided, single submitter. Criteria: ACMG Guidelines, 2015. Collection method: clinical testing. Allele origin: germline.
Comment: This variant is classified as likely benign based on ACMG/AMP sequence variant interpretation guidelines (Richards et al. 2015 PMID: 25741868, with internal and published modifications).

CeGaT Center for Human Genetics Tuebingen
Classification: Likely benign. Last evaluated: 2025-11-01. Review status: criteria provided, single submitter. Criteria: CeGaT Center For Human Genetics Tuebingen Variant Classification Criteria Version 2. Collection method: clinical testing. Allele origin: germline. Affected: yes. Observed: 2 variant alleles.
Comment: SPTLC2: BP4, BP7

Blueprint Genetics
Classification: Likely benign. Last evaluated: 2024-04-10. Review status: criteria provided, single submitter. Criteria: ACMG Guidelines, 2015. Collection method: clinical testing. Allele origin: germline.

GeneDx
Classification: Likely benign. Last evaluated: 2021-01-23. Review status: criteria provided, single submitter. Criteria: GeneDx Variant Classification Process June 2021. Collection method: clinical testing. Allele origin: germline. Affected: yes.

Ambry Genetics
Classification: Likely benign for Inborn genetic diseases. Last evaluated: 2019-07-11. Review status: criteria provided, single submitter. Criteria: Ambry Variant Classification Scheme 2023. Collection method: clinical testing. Allele origin: germline.

Illumina Laboratory Services, Illumina
Classification: Benign for Neuropathy, hereditary sensory and autonomic, type 1C. Last evaluated: 2018-01-12. Review status: criteria provided, single submitter. Criteria: ICSL Variant Classification Criteria 13 December 2019. Collection method: clinical testing. Allele origin: germline.
Comment: This variant was observed in the ICSL laboratory as part of a predisposition screen in an ostensibly healthy population. It had not been previously curated by ICSL or reported in the Human Gene Mutation Database (HGMD: prior to June 1st, 2018), and was therefore a candidate for classification through an automated scoring system. Utilizing variant allele frequency, disease prevalence and penetrance estimates, and inheritance mode, an automated score was calculated to assess if this variant is too frequent to cause the disease. Based on the score and internal cut-off values, a variant classified as benign is not then subjected to further curation. The score for this variant resulted in a classification of benign for this disease.

NM_004863.4(SPTLC2):c.1050C>T (p.Gly350=)

Gene: SPTLC2 (serine palmitoyltransferase long chain base subunit 2; minus strand). Cytogenetic location: 14q24.3.
Variant type: single nucleotide variant.
Coding change: c.1050C>T on transcript NM_004863.4 (MANE Select); coding-DNA position 1050, C replaced by T.
Protein change: p.Gly350=; no amino-acid change (glycine 350 retained).
Molecular consequence: synonymous variant.
Genome position (GRCh38, 1-based): chr14:77,555,426, G>A on the plus strand (C>T on the coding strand, the complement: SPTLC2 is on the minus strand). VCF-style: chr14-77555426-G-A. GRCh37 (hg19) VCF-style: chr14-78021769-G-A.
Identifiers: ClinVar variation 516704 (VCV000516704.81), dbSNP rs539265514, ClinGen allele CA7289290.